The following is an entry in ClinVar:

ClinVar aggregate classification (germline): Conflicting classifications of pathogenicity. Review status: criteria provided, conflicting classifications (1 of 4 stars). 2 submissions from 2 submitters: Uncertain significance (1); Benign (1). Last evaluated 2025-04-27.

Conditions:
Ehlers-Danlos syndrome, classic type, 1 (EDSCL1). Also called: Ehlers-Danlos Syndrome, Classic Type, COL5A1-Related; EDS I; Ehlers-Danlos syndrome, type 1; EHLERS-DANLOS SYNDROME, GRAVIS TYPE; EHLERS-DANLOS SYNDROME, SEVERE CLASSIC TYPE. Identifiers: MedGen C0268335, MONDO:0019567, OMIM 130000.
Familial thoracic aortic aneurysm and aortic dissection (TAAD). Also called: Thoracic aortic aneurysms and dissections. Identifiers: Orphanet 91387, MedGen C4707243, MONDO:0019625.

Allele frequency attached by ClinVar (database versions not stated): TOPMed 0.00003; gnomAD 0.00003.
gnomAD v4.1: 11 of 1,613,906 alleles (0.00068%); highest among the groups gnomAD compares: African/African-American, 0.015%; no homozygotes.

Submissions (2):

Labcorp Genetics (formerly Invitae), Labcorp
Classification: Benign for Ehlers-Danlos syndrome, classic type, 1. Last evaluated: 2025-04-27. Review status: criteria provided, single submitter. Criteria: Invitae Variant Classification Sherloc (09022015). Collection method: clinical testing. Allele origin: germline.

Ambry Genetics
Classification: Uncertain significance for Familial thoracic aortic aneurysm and aortic dissection. Last evaluated: 2017-09-18. Review status: criteria provided, single submitter. Criteria: Ambry Variant Classification Scheme 2023. Collection method: clinical testing. Allele origin: germline.
Comment: The p.N1468D variant (also known as c.4402A>G), located in coding exon 54 of the COL5A2 gene, results from an A to G substitution at nucleotide position 4402. The asparagine at codon 1468 is replaced by aspartic acid, an amino acid with highly similar properties. This amino acid position is not well conserved in available vertebrate species. In addition, this alteration is predicted to be tolerated by in silico analysis. Since supporting evidence is limited at this time, the clinical significance of this alteration remains unclear.

NM_000393.5(COL5A2):c.4402A>G (p.Asn1468Asp)

Gene: COL5A2 (collagen type V alpha 2 chain; minus strand). Cytogenetic location: 2q32.2.
Variant type: single nucleotide variant.
Coding change: c.4402A>G on transcript NM_000393.5 (MANE Select); coding-DNA position 4402, A replaced by G.
Protein change: p.Asn1468Asp; replaces asparagine 1468 with aspartic acid.
Molecular consequence: missense variant.
Genome position (GRCh38, 1-based): chr2:189,034,168, T>C on the plus strand (A>G on the coding strand, the complement: COL5A2 is on the minus strand). VCF-style: chr2-189034168-T-C. GRCh37 (hg19) VCF-style: chr2-189898894-T-C.
Other names: short protein forms N1468D.
Identifiers: ClinVar variation 519691 (VCV000519691.13), dbSNP rs756550702, ClinGen allele CA2021787.
Genomic context (GRCh38, chr2:189,034,168, plus strand): 5'-CCTGGTCTGTGCCGCCAACATCCACAGGAGCAAGATCTATGATGGGCAAGCGTGCCACAT[T>C]CTGTGTTCTATATTCAAAGACAGTCTTGCCCACATTTCCATTCCGCTTCTGAAATTAAAT-3'
Protein context (NP_000384.2, residues 1458-1478): GKTVFEYRTQ[Asn1468Asp]VARLPIIDLA